The following is an entry in ClinVar:

ClinVar aggregate classification (germline): Uncertain significance (1 of 4 stars; one submission).

Conditions:
Inborn genetic diseases. Identifiers: MedGen C0950123, MeSH D030342.

gnomAD v4.1: 1 of 1,612,748 alleles (0.000062%); highest among the groups gnomAD compares: Admixed American, 0.0017%; no homozygotes.

Submission:

Ambry Genetics
Classification: Uncertain significance for Inborn genetic diseases. Last evaluated: 2024-06-14. Review status: criteria provided, single submitter. Criteria: Ambry Variant Classification Scheme 2023. Collection method: clinical testing. Allele origin: germline.
Comment: The p.I841T variant (also known as c.2522T>C), located in coding exon 17 of the PIK3CA gene, results from a T to C substitution at nucleotide position 2522. The isoleucine at codon 841 is replaced by threonine, an amino acid with similar properties. This amino acid position is conserved. In addition, the in silico prediction for this alteration is inconclusive. Based on the available evidence, the clinical significance of this variant remains unclear.

NM_006218.4(PIK3CA):c.2522T>C (p.Ile841Thr)

Gene: PIK3CA (phosphatidylinositol-4,5-bisphosphate 3-kinase catalytic subunit alpha; plus strand). Cytogenetic location: 3q26.32.
Variant type: single nucleotide variant.
Coding change: c.2522T>C on transcript NM_006218.4 (MANE Select); coding-DNA position 2522, T replaced by C.
Protein change: p.Ile841Thr; replaces isoleucine 841 with threonine.
Molecular consequence: missense variant.
Genome position (GRCh38, 1-based): chr3:179,229,298, T>C. VCF-style: chr3-179229298-T-C. GRCh37 (hg19) VCF-style: chr3-178947086-T-C.
Other names: short protein forms I841T.
Identifiers: ClinVar variation 3306602 (VCV003306602.1).